The following is an entry in ClinVar:

NM_015978.3(TNNI3K):c.1051G>A (p.Gly351Ser)

Genes: FPGT-TNNI3K (FPGT-TNNI3K readthrough; plus strand), TNNI3K (TNNI3 interacting kinase; plus strand). Cytogenetic location: 1p31.1.
Variant type: single nucleotide variant.
Coding change: c.1051G>A on transcript NM_015978.3 (MANE Select); coding-DNA position 1051, G replaced by A.
Protein change: p.Gly351Ser; replaces glycine 351 with serine.
Molecular consequence: missense variant.
Genome position (GRCh38, 1-based): chr1:74,354,003, G>A. VCF-style: chr1-74354003-G-A. GRCh37 (hg19) VCF-style: chr1-74819687-G-A.
Other names: c.1354G>A, p.Gly452Ser (NM_001112808.3, NM_001199327.2); c.1051G>A (NM_015978.2); short protein forms G351S, G452S.
Identifiers: ClinVar variation 915378 (VCV000915378.10), dbSNP rs777466193, ClinGen allele CA909137.

ClinVar aggregate classification (germline): Conflicting classifications of pathogenicity. Review status: criteria provided, conflicting classifications (1 of 4 stars). 4 submissions from 4 submitters: Uncertain significance (3); Likely benign (1). Last evaluated 2026-03-27.

Conditions:
Cardiovascular phenotype. Identifiers: MedGen CN230736.
Inborn genetic diseases. Identifiers: MedGen C0950123, MeSH D030342.

Allele frequency attached by ClinVar (database versions not stated): gnomAD 0.00001; TOPMed 0.00001; ExAC 0.00002.
gnomAD v4.1: 26 of 1,613,182 alleles (0.0016%); highest among the groups gnomAD compares: South Asian, 0.0077%; no homozygotes.

Submissions (4):

Molecular Diagnostic Laboratory for Inherited Cardiovascular Disease, Montreal Heart Institute
Classification: Uncertain significance for Cardiovascular phenotype. Last evaluated: 2026-03-27. Review status: criteria provided, single submitter. Criteria: ACMG Guidelines, 2015. Collection method: clinical testing. Allele origin: germline. Affected: yes.
Comment: PM2, PP3

Labcorp Genetics (formerly Invitae), Labcorp
Classification: Uncertain significance. Last evaluated: 2025-08-17. Review status: criteria provided, single submitter. Criteria: Invitae Variant Classification Sherloc (09022015). Collection method: clinical testing. Allele origin: germline.
Comment: This sequence change replaces glycine, which is neutral and non-polar, with serine, which is neutral and polar, at codon 351 of the TNNI3K protein (p.Gly351Ser). This variant is present in population databases (rs777466193, gnomAD 0.01%). This variant has not been reported in the literature in individuals affected with TNNI3K-related conditions. ClinVar contains an entry for this variant (Variation ID: 915378). Invitae Evidence Modeling of protein sequence and biophysical properties (such as structural, functional, and spatial information, amino acid conservation, physicochemical variation, residue mobility, and thermodynamic stability) indicates that this missense variant is not expected to disrupt TNNI3K protein function with a negative predictive value of 80%. In summary, the available evidence is currently insufficient to determine the role of this variant in disease. Therefore, it has been classified as a Variant of Uncertain Significance.

Ambry Genetics
Classification: Uncertain significance for Inborn genetic diseases. Last evaluated: 2025-04-08. Review status: criteria provided, single submitter. Criteria: Ambry Variant Classification Scheme 2023. Collection method: clinical testing. Allele origin: germline.

Genomic Research Center, Shahid Beheshti University of Medical Sciences
Classification: Likely benign. Last evaluated: 2020-05-03. Review status: criteria provided, single submitter. Criteria: ACMG Guidelines, 2015. Collection method: clinical testing. Allele origin: unknown. Affected: yes.